The following is an entry in ClinVar:

ClinVar aggregate classification (germline): Uncertain significance. Review status: criteria provided, multiple submitters, no conflicts (2 of 4 stars). 4 submissions from 4 submitters: Uncertain significance (4). Last evaluated 2024-10-22.

Conditions:
Connective tissue disorder. Also called: Connective tissue disease. Identifiers: MedGen C0009782, MONDO:0003900.
Cranioectodermal dysplasia 1 (CED1). Also called: LEVIN SYNDROME I. Identifiers: Orphanet 1515, MedGen C0432235, MONDO:0021093, OMIM 218330.

Allele frequency attached by ClinVar (database versions not stated): ExAC 0.00004; gnomAD exomes 0.00006; gnomAD 0.00007; TOPMed 0.00007; ESP Exome Variant Server 0.00008.
gnomAD v4.1: 89 of 1,614,052 alleles (0.0055%); highest among the groups gnomAD compares: Non-Finnish European, 0.0069%; no homozygotes.

Submissions (4):

Blueprint Genetics
Classification: Uncertain significance. Last evaluated: 2024-10-22. Review status: criteria provided, single submitter. Criteria: ACMG Guidelines, 2015. Collection method: clinical testing. Allele origin: germline.

Fulgent Genetics
Classification: Uncertain significance for Cranioectodermal dysplasia 1. Last evaluated: 2024-05-21. Review status: criteria provided, single submitter. Criteria: ACMG Guidelines, 2015. Collection method: clinical testing. Allele origin: germline.

GeneDx
Classification: Uncertain significance. Last evaluated: 2023-02-15. Review status: criteria provided, single submitter. Criteria: GeneDx Variant Classification Process June 2021. Collection method: clinical testing. Allele origin: germline. Affected: yes.
Comment: In silico analysis supports that this missense variant has a deleterious effect on protein structure/function; Has not been previously published as pathogenic or benign to our knowledge

Genome Diagnostics Laboratory, The Hospital for Sick Children
Classification: Uncertain significance for Connective tissue disorder. Last evaluated: 2019-12-01. Review status: criteria provided, single submitter. Criteria: ACMG Guidelines, 2015. Collection method: clinical testing. Allele origin: germline.

NM_052989.3(IFT122):c.2315T>A (p.Ile772Asn)

Gene: IFT122 (intraflagellar transport 122; plus strand). Cytogenetic location: 3q22.1.
Variant type: single nucleotide variant.
Coding change: c.2315T>A on transcript NM_052989.3 (MANE Select); coding-DNA position 2315, T replaced by A.
Protein change: p.Ile772Asn; replaces isoleucine 772 with asparagine.
Molecular consequence: missense variant.
Genome position (GRCh38, 1-based): chr3:129,500,008, T>A. VCF-style: chr3-129500008-T-A. GRCh37 (hg19) VCF-style: chr3-129218851-T-A.
Other names: c.2291T>A, p.Ile764Asn (NM_001280541.2); c.1865T>A, p.Ile622Asn (NM_001280545.2); c.1688T>A, p.Ile563Asn (NM_001280546.2); c.2138T>A, p.Ile713Asn (NM_018262.4); c.2468T>A, p.Ile823Asn (NM_052985.4); c.1982T>A, p.Ile661Asn (NM_052990.3); short protein forms I563N, I622N, I661N, I713N, I764N, I772N, I823N.
Identifiers: ClinVar variation 1702440 (VCV001702440.6), dbSNP rs371325633, ClinGen allele CA2606473.